The following is an entry in ClinVar:

ClinVar aggregate classification (germline): Uncertain significance (1 of 4 stars; one submission).

Allele frequency attached by ClinVar (database versions not stated): gnomAD exomes 0.00001; TOPMed 0.00001; gnomAD 0.00002.
gnomAD v4.1: 19 of 1,551,794 alleles (0.0012%); highest among the groups gnomAD compares: Middle Eastern, 0.017%; no homozygotes.

Submission:

Labcorp Genetics (formerly Invitae), Labcorp
Classification: Uncertain significance. Last evaluated: 2021-12-30. Review status: criteria provided, single submitter. Criteria: Invitae Variant Classification Sherloc (09022015). Collection method: clinical testing. Allele origin: germline.
Comment: This sequence change replaces glutamic acid, which is acidic and polar, with lysine, which is basic and polar, at codon 955 of the LTBP2 protein (p.Glu955Lys). This variant is present in population databases (no rsID available, gnomAD 0.006%). This variant has not been reported in the literature in individuals affected with LTBP2-related conditions. Algorithms developed to predict the effect of missense changes on protein structure and function output the following: SIFT: "Tolerated"; PolyPhen-2: "Benign"; Align-GVGD: "Class C0". The lysine amino acid residue is found in multiple mammalian species, which suggests that this missense change does not adversely affect protein function. In summary, the available evidence is currently insufficient to determine the role of this variant in disease. Therefore, it has been classified as a Variant of Uncertain Significance.

NM_000428.3(LTBP2):c.2863G>A (p.Glu955Lys)

Gene: LTBP2 (latent transforming growth factor beta binding protein 2; minus strand). Cytogenetic location: 14q24.3.
Variant type: single nucleotide variant.
Coding change: c.2863G>A on transcript NM_000428.3 (MANE Select); coding-DNA position 2863, G replaced by A.
Protein change: p.Glu955Lys; replaces glutamic acid 955 with lysine.
Molecular consequence: missense variant.
Genome position (GRCh38, 1-based): chr14:74,516,867, C>T on the plus strand (G>A on the coding strand, the complement: LTBP2 is on the minus strand). VCF-style: chr14-74516867-C-T. GRCh37 (hg19) VCF-style: chr14-74983570-C-T.
Other names: short protein forms E955K.
Identifiers: ClinVar variation 1984240 (VCV001984240.1), dbSNP rs1475809210, ClinGen allele CA390390507.
Genomic context (GRCh38, chr14:74,516,867, plus strand): 5'-CTTCCCGTTCCTTACCTTGGCAGTGTCCTTTCCTGACCATGATGTAGCCCTGATCACACT[C>T]GCAGTGGTACGAGCCCTCGGTGTTGGTGCACTGCCCCCCGCTGCACACCCCTGGCTGCTC-3'
Protein context (NP_000419.1, residues 945-965): CTNTEGSYHC[Glu955Lys]CDQGYIMVRK